The following is an entry in ClinVar:

NM_001365536.1(SCN9A):c.4398+2T>C

Genes: SCN1A-AS1 (SCN1A and SCN9A antisense RNA 1; plus strand), SCN9A (sodium voltage-gated channel alpha subunit 9; minus strand). Cytogenetic location: 2q24.3.
Variant type: single nucleotide variant.
Coding change: c.4398+2T>C on transcript NM_001365536.1 (MANE Select); the canonical splice donor site of the intron after coding-DNA position 4398, T replaced by C.
Molecular consequence: splice donor variant.
Genome position (GRCh38, 1-based): chr2:166,226,565, A>G on the plus strand (T>C on the coding strand, the complement: SCN9A is on the minus strand). VCF-style: chr2-166226565-A-G. GRCh37 (hg19) VCF-style: chr2-167083075-A-G.
Other names: c.4365+2T>C (NM_002977.4).
Identifiers: ClinVar variation 1067970 (VCV001067970.7), dbSNP rs2106383164, ClinGen allele CA349061777.

ClinVar aggregate classification (germline): Likely pathogenic (1 of 4 stars; one submission).

Conditions:
Generalized epilepsy with febrile seizures plus, type 7 (GEFSP7). Also called: GEFS+, TYPE 7. Identifiers: Orphanet 36387, MedGen C2751778, MONDO:0013470, OMIM 613863.
Neuropathy, hereditary sensory and autonomic, type 2A (HSAN2A). Also called: MORVAN DISEASE; NEUROPATHY, CONGENITAL SENSORY; NEUROPATHY, HEREDITARY SENSORY RADICULAR, AUTOSOMAL RECESSIVE; NEUROPATHY, HEREDITARY SENSORY, TYPE IIA; NEUROPATHY, PROGRESSIVE SENSORY, OF CHILDREN; WNK1-Related HSAN2 (HSAN2A). Identifiers: Orphanet 970, MedGen C2752089, MONDO:0024309, OMIM 201300.

Submission:

Labcorp Genetics (formerly Invitae), Labcorp
Classification: Likely pathogenic for Neuropathy, hereditary sensory and autonomic, type 2A; Generalized epilepsy with febrile seizures plus, type 7. Last evaluated: 2024-03-26. Review status: criteria provided, single submitter. Criteria: Invitae Variant Classification Sherloc (09022015). Collection method: clinical testing. Allele origin: germline.
Comment: This sequence change affects a donor splice site in intron 24 of the SCN9A gene. It is expected to disrupt RNA splicing. Variants that disrupt the donor or acceptor splice site typically lead to a loss of protein function (PMID: 16199547), and loss-of-function variants in SCN9A are known to be pathogenic (PMID: 17470132, 19304393). This variant is not present in population databases (gnomAD no frequency). This variant has not been reported in the literature in individuals affected with SCN9A-related conditions. ClinVar contains an entry for this variant (Variation ID: 1067970). Algorithms developed to predict the effect of sequence changes on RNA splicing suggest that this variant may disrupt the consensus splice site. In summary, the currently available evidence indicates that the variant is pathogenic, but additional data are needed to prove that conclusively. Therefore, this variant has been classified as Likely Pathogenic.

Literature cited by the submitters: PubMed 16199547; PubMed 17470132; PubMed 19304393.